The following is an entry in ClinVar:

ClinVar aggregate classification (germline): Uncertain significance. Review status: criteria provided, multiple submitters, no conflicts (2 of 4 stars). 3 submissions from 3 submitters: Uncertain significance (3). Last evaluated 2025-01-23.

Conditions:
Pancreatic adenocarcinoma. Identifiers: MedGen C0281361, MONDO:0006047, HP:0006725.

Allele frequency attached by ClinVar (database versions not stated): gnomAD exomes below 0.00001; ExAC 0.00001; gnomAD 0.00001 and 0.00051; ESP Exome Variant Server 0.00008; TOPMed 0.00068.
gnomAD v4.1: 72 of 1,613,966 alleles (0.0045%); highest among the groups gnomAD compares: Non-Finnish European, 0.00034%; 3 homozygotes.

Submissions (3):

Labcorp Genetics (formerly Invitae), Labcorp
Classification: Uncertain significance for Pancreatic adenocarcinoma. Last evaluated: 2025-01-23. Review status: criteria provided, single submitter. Criteria: Invitae Variant Classification Sherloc (09022015). Collection method: clinical testing. Allele origin: germline.
Comment: This sequence change replaces valine, which is neutral and non-polar, with leucine, which is neutral and non-polar, at codon 597 of the PALLD protein (p.Val597Leu). This variant is present in population databases (rs368806050, gnomAD 0.0009%). This variant has not been reported in the literature in individuals affected with PALLD-related conditions. ClinVar contains an entry for this variant (Variation ID: 128109). An algorithm developed to predict the effect of missense changes on protein structure and function (PolyPhen-2) suggests that this variant is likely to be tolerated. In summary, the available evidence is currently insufficient to determine the role of this variant in disease. Therefore, it has been classified as a Variant of Uncertain Significance.

Ambry Genetics
Classification: Uncertain significance. Last evaluated: 2025-01-05. Review status: criteria provided, single submitter. Criteria: Ambry Variant Classification Scheme 2023. Collection method: clinical testing. Allele origin: germline.
Comment: The p.V597L variant (also known as c.1789G>C), located in coding exon 10 of the PALLD gene, results from a G to C substitution at nucleotide position 1789. The valine at codon 597 is replaced by leucine, an amino acid with highly similar properties. This amino acid position is conserved. In addition, the in silico prediction for this alteration is inconclusive. Based on the available evidence, the clinical significance of this variant remains unclear.

GeneDx
Classification: Uncertain significance. Last evaluated: 2014-02-26. Review status: criteria provided, single submitter. Criteria: GeneDx Variant Classification (06012015). Collection method: clinical testing. Allele origin: germline. Affected: yes.
Comment: PALLD has been only recently described in association with cancer predisposition and the risks are not well understood. This variant is denoted PALLD c.3250G>C at the cDNA level, p.Val1084Leu (V1084L) at the protein level, and results in the change of a Valine to a Leucine (GTG>CTG). This variant has not, to our knowledge, been published in the literature as pathogenic or benign. PALLD Val1084Leu was not observed at a significant allele frequency in the NHLBI Exome Sequencing Project. Since Valine and Leucine share similar properties, this is considered a conservative amino acid substitution and is unlikely to affect protein integrity. PALLD Val1084Leu occurs at a position that is well conserved across species and is located in the Ig-like C2-type 3 domain (UniProt). In silico analyses are inconsistent regarding the effect this variant may have on protein structure and function. On a molecular level, the impact of this missense variant on protein structure and function is not known and thus we consider this to be a variant of uncertain significance. Furthermore, based on the currently available information, cancer risks associated with this variant, and the PALLD gene, remain unclear.

NM_001166108.2(PALLD):c.3301G>C (p.Val1101Leu)

Genes: CBR4 (carbonyl reductase 4; minus strand), PALLD (palladin, cytoskeletal associated protein; plus strand). Cytogenetic location: 4q32.3.
Variant type: single nucleotide variant.
Coding change: c.3301G>C on transcript NM_001166108.2 (MANE Select); coding-DNA position 3301, G replaced by C.
Protein change: p.Val1101Leu; replaces valine 1101 with leucine.
Molecular consequence: missense variant.
Genome position (GRCh38, 1-based): chr4:168,925,021, G>C. VCF-style: chr4-168925021-G-C. GRCh37 (hg19) VCF-style: chr4-169846172-G-C.
Other names: p.V1084L:GTG>CTG; c.2104G>C, p.Val702Leu (NM_001166109.2); c.1789G>C, p.Val597Leu (NM_001166110.2); c.1129G>C, p.Val377Leu (NM_001367567.1, NM_001367569.1); c.1180G>C, p.Val394Leu (NM_001367568.1, NM_001367570.1); c.3250G>C, p.Val1084Leu (NM_016081.4); short protein forms V1084L, V377L, V597L, V394L, V702L, V1101L.
Identifiers: ClinVar variation 128109 (VCV000128109.10), dbSNP rs368806050, ClinGen allele CA288369.